The following is an entry in ClinVar:

NM_002617.4(PEX10):c.976C>A (p.Arg326Ser)

Gene: PEX10 (peroxisomal biogenesis factor 10; minus strand). Cytogenetic location: 1p36.32.
Variant type: single nucleotide variant.
Coding change: c.976C>A on transcript NM_002617.4 (MANE Select); coding-DNA position 976, C replaced by A.
Protein change: p.Arg326Ser; replaces arginine 326 with serine.
Molecular consequence: missense variant. On other transcripts: non-coding transcript variant (1).
Genome position (GRCh38, 1-based): chr1:2,405,771, G>T on the plus strand (C>A on the coding strand, the complement: PEX10 is on the minus strand). VCF-style: chr1-2405771-G-T. GRCh37 (hg19) VCF-style: chr1-2337210-G-T.
Other names: c.1036C>A (NM_153818.1); c.1033C>A, p.Arg345Ser (NM_001374425.1); c.601C>A, p.Arg201Ser (NM_001374426.1); c.544C>A, p.Arg182Ser (NM_001374427.1); c.1036C>A, p.Arg346Ser (NM_153818.2); short protein forms R326S, R345S, R201S, R346S, R182S.
Identifiers: ClinVar variation 2147514 (VCV002147514.4), dbSNP rs566941490, ClinGen allele CA16942533.
Genomic context (GRCh38, chr1:2,405,771, plus strand): 5'-TGGCGTTCAGACTCCCGTAGAGGTCATCTGTGTCCAGGCCCACCCGGGCGCCGGCTCAGC[G>T]GTAGTGCCGAAGGTAGATGAGCTTCTGGGGAGGGAACTTCTCCCGGCAGAGGGGACACTC-3'
Protein context (NP_002608.1, residues 316-326): PQKLIYLRHY[Arg326Ser]

ClinVar aggregate classification (germline): Uncertain significance. Review status: criteria provided, multiple submitters, no conflicts (2 of 4 stars). 3 submissions from 3 submitters: Uncertain significance (3). Last evaluated 2025-01-15.

Conditions:
Inborn genetic diseases. Identifiers: MedGen C0950123, MeSH D030342.
Peroxisome biogenesis disorder, complementation group 7 (CG7). Also called: Peroxisome biogenesis disorder, complementation group B. Identifiers: MedGen C1864399.
PEX10-related disorder. Also called: PEX10-related condition.

gnomAD v4.1: 11 of 1,601,842 alleles (0.00069%); highest among the groups gnomAD compares: Middle Eastern, 0.016%; no homozygotes.

Submissions (3):

PreventionGenetics, part of Exact Sciences
Classification: Uncertain significance for PEX10-related condition. Last evaluated: 2025-01-15. Review status: criteria provided, single submitter. Criteria: ACMG Guidelines, 2015. Collection method: clinical testing. Allele origin: germline.
Comment: The PEX10 c.1036C>A variant is predicted to result in the amino acid substitution p.Arg346Ser. To our knowledge, this variant has not been reported in the literature. This variant is reported in 0.00098% of alleles in individuals of European (Non-Finnish) descent in gnomAD. At this time, the clinical significance of this variant is uncertain due to the absence of conclusive functional and genetic evidence.

Labcorp Genetics (formerly Invitae), Labcorp
Classification: Uncertain significance for Peroxisome biogenesis disorder, complementation group 7. Last evaluated: 2024-12-02. Review status: criteria provided, single submitter. Criteria: Invitae Variant Classification Sherloc (09022015). Collection method: clinical testing. Allele origin: germline.
Comment: This sequence change replaces arginine, which is basic and polar, with serine, which is neutral and polar, at codon 346 of the PEX10 protein (p.Arg346Ser). The frequency data for this variant in the population databases is considered unreliable, as metrics indicate poor data quality at this position in the gnomAD database. This variant has not been reported in the literature in individuals affected with PEX10-related conditions. ClinVar contains an entry for this variant (Variation ID: 2147514). An algorithm developed to predict the effect of missense changes on protein structure and function (PolyPhen-2) suggests that this variant is likely to be disruptive. In summary, the available evidence is currently insufficient to determine the role of this variant in disease. Therefore, it has been classified as a Variant of Uncertain Significance.

Ambry Genetics
Classification: Uncertain significance for Inborn genetic diseases. Last evaluated: 2021-09-14. Review status: criteria provided, single submitter. Criteria: Ambry Variant Classification Scheme 2023. Collection method: clinical testing. Allele origin: germline.